The following is an entry in ClinVar:

ClinVar aggregate classification (germline): Uncertain significance (1 of 4 stars; one submission).

Submission:

Greenwood Genetic Center Diagnostic Laboratories, Greenwood Genetic Center
Classification: Uncertain significance. Last evaluated: 2024-07-08. Review status: criteria provided, single submitter. Criteria: ACMG Guidelines, 2015. Collection method: clinical testing. Allele origin: germline. Affected: yes.
Comment: PM2, BP4, PP2

NM_001170629.2(CHD8):c.125C>G (p.Ser42Cys)

Gene: CHD8 (chromodomain helicase DNA binding protein 8; minus strand). Cytogenetic location: 14q11.2.
Variant type: single nucleotide variant.
Coding change: c.125C>G on transcript NM_001170629.2 (MANE Select); coding-DNA position 125, C replaced by G.
Protein change: p.Ser42Cys; replaces serine 42 with cysteine.
Molecular consequence: missense variant. On other transcripts: intron variant (1).
Genome position (GRCh38, 1-based): chr14:21,431,519, G>C on the plus strand (C>G on the coding strand, the complement: CHD8 is on the minus strand). VCF-style: chr14-21431519-G-C. GRCh37 (hg19) VCF-style: chr14-21899678-G-C.
Other names: c.6+292C>G (NM_020920.4); short protein forms S42C.
Identifiers: ClinVar variation 3765627 (VCV003765627.1).